The following is an entry in ClinVar:

NM_000030.3(AGXT):c.508G>A (p.Gly170Arg)

Gene: AGXT (alanine--glyoxylate aminotransferase; plus strand). Cytogenetic location: 2q37.3.
Variant type: single nucleotide variant.
Coding change: c.508G>A on transcript NM_000030.3 (MANE Select); coding-DNA position 508, G replaced by A.
Protein change: p.Gly170Arg; replaces glycine 170 with arginine.
Molecular consequence: missense variant.
Genome position (GRCh38, 1-based): chr2:240,871,433, G>A. VCF-style: chr2-240871433-G-A. GRCh37 (hg19) VCF-style: chr2-241810850-G-A.
Other names: NM_000030.2(AGXT):c.508G>A(p.Gly170Arg); short protein forms G170R.
Identifiers: ClinVar variation 40166 (VCV000040166.89), dbSNP rs121908529, ClinGen allele CA343785.

ClinVar aggregate classification (germline): Pathogenic/Likely pathogenic. Review status: criteria provided, multiple submitters, no conflicts (2 of 4 stars). 30 submissions from 30 submitters: Pathogenic (23); Likely pathogenic (2). 5 of the submissions do not count toward it. Last evaluated 2026-09-01.

Conditions:
AGXT-related disorder. Also called: AGXT-related condition.
Primary hyperoxaluria. Identifiers: Orphanet 416, MedGen C0020501, MONDO:0002474.
Primary hyperoxaluria, type I (HP1). Also called: GLYCOLIC ACIDURIA; HEPATIC AGT DEFICIENCY; OXALOSIS I; Primary hyperoxaluria type 1. Identifiers: Orphanet 416, Orphanet 93598, MedGen C0268164, MONDO:0009823, OMIM 259900. Disease mechanism: loss of function.

Allele frequency attached by ClinVar (database versions not stated): gnomAD exomes 0.00056; TOPMed 0.00053; gnomAD 0.00063 and 0.00067; ExAC 0.00102.

Submissions 1 to 11 of 30:

CeGaT Center for Human Genetics Tuebingen
Classification: Pathogenic. Last evaluated: 2026-09-01. Review status: criteria provided, single submitter. Criteria: CeGaT Center For Human Genetics Tuebingen Variant Classification Criteria Version 2. Collection method: clinical testing. Allele origin: germline. Affected: yes. Observed: 6 variant alleles.
Comment: AGXT: PM3:Very Strong, PM2:Supporting, PS3:Supporting

Victorian Clinical Genetics Services, Murdoch Childrens Research Institute
Classification: Pathogenic for Primary hyperoxaluria, type I. Last evaluated: 2026-06-25. Review status: criteria provided, single submitter. Criteria: ACMG Guidelines, 2015. Collection method: clinical testing. Allele origin: germline. Affected: yes.
Comment: This variant is classified as Pathogenic. Evidence in support of pathogenic classification: Variant is present in gnomAD <0.01 for a recessive condition (134 heterozygotes, 1 homozygote); This variant has strong previous evidence of pathogenicity in unrelated individuals. This variant has been classified as pathogenic by multiple clinical laboratories in ClinVar and is well reported as both homozygous and compound heterozygous in individuals with primary hyperoxaluria (PMID: 20016466); Missense variant consistently predicted to be damaging by multiple in silico tools or highly conserved with a major amino acid change. Additional information: Variant is predicted to result in a missense amino acid change from Gly to Arg; This variant is heterozygous; This gene is associated with autosomal recessive disease; Variant is located in the annotated aminotransferase class-V domain (DECIPHER); Loss of function is a known mechanism of disease in this gene and is associated with primary hyperoxaluria type 1 (MIM#259900); Variants in this gene are known to have variable expressivity (PMID: 20301460); Heterozygous variant detected in trans with a second PATHOGENIC heterozygous variant (NM_000030.3(AGXT):c.33dup; p.(Lys12Glnfs*156)) in a recessive disease.

Institute of Human Genetics, University of Leipzig Medical Center
Classification: Pathogenic for Primary hyperoxaluria, type I. Last evaluated: 2026-04-09. Review status: criteria provided, single submitter. Criteria: ACMG Guidelines, 2015. Collection method: clinical testing. Allele origin: maternal. Inheritance: Autosomal recessive inheritance. Affected: yes.
Comment: Criteria applied: PM3_VSTR,PS3_MOD,PP3

PreventionGenetics, part of Exact Sciences
Classification: Pathogenic for AGXT-related condition. Last evaluated: 2026-02-19. Review status: criteria provided, single submitter. Criteria: ACMG Guidelines, 2015. Collection method: clinical testing. Allele origin: germline.
Comment: The AGXT c.508G>A variant is predicted to result in the amino acid substitution p.Gly170Arg. This variant is one of the most common AGXT pathogenic variants and has been reported in the compound heterozygous and homozygous state in many individuals with primary hyperoxaluria (Purdue et al. 1990. PubMed ID: 1703535; Rumsby et al. 2004. PubMed ID: 15327387; Harambat et al. 2009. PubMed ID: 20016466; Williams et al. 2009. PubMed ID: 19479957). Functional studies indicate this variant results in impaired enzymatic activity and mislocalization of the AGT protein (Purdue et al. 1990. PubMed ID: 1703535; Lumb et al. 2000. PubMed ID: 10960483; Coulter-Mackie et al. 2005. PubMed ID: 15802217). Homozygous individuals are found to have a AGT activity of 41% of normal, which is consistent with a less severe phenotype in these individuals (Harambat et al. 2009. PubMed ID: 20016466). This variant is reported in 0.11% of alleles in individuals of European (non-Finnish) descent in gnomAD. This variant is interpreted as pathogenic.

Labcorp Genetics (formerly Invitae), Labcorp
Classification: Pathogenic. Last evaluated: 2026-01-31. Review status: criteria provided, single submitter. Criteria: Invitae Variant Classification Sherloc (09022015). Collection method: clinical testing. Allele origin: germline.
Comment: This sequence change replaces glycine, which is neutral and non-polar, with arginine, which is basic and polar, at codon 170 of the AGXT protein (p.Gly170Arg). This variant is present in population databases (rs121908529, gnomAD 0.1%), including at least one homozygous and/or hemizygous individual. This missense change has been observed in individual(s) with primary hyperoxaluria (PMID: 1703535, 11708860, 15356974, 15840016, 18985333, 20016466, 24988064). In at least one individual the data is consistent with being in trans (on the opposite chromosome) from a pathogenic variant. This variant is also known as 630G>A. ClinVar contains an entry for this variant (Variation ID: 40166). Invitae Evidence Modeling of protein sequence and biophysical properties (such as structural, functional, and spatial information, amino acid conservation, physicochemical variation, residue mobility, and thermodynamic stability) has been performed for this missense variant. However, the output from this modeling did not meet the statistical confidence thresholds required to predict the impact of this variant on AGXT protein function. Experimental studies have shown that this missense change affects AGXT function (PMID: 10960483, 17110443, 23229545). For these reasons, this variant has been classified as Pathogenic.

Rare Kidney Stone Consortium and the Mayo Clinic Hyperoxaluria Center, Mayo Clinic
Classification: Pathogenic for Primary hyperoxaluria, type I. Last evaluated: 2025-10-03. Review status: criteria provided, single submitter. Criteria: ACMG Guidelines, 2015. Collection method: research. Allele origin: germline. Affected: yes. Observed: 6 variant alleles.
Comment: ACMG:PS1, PM1, PM2, PP2, PP3, PP5

Natera, Inc.
Classification: Pathogenic for Primary hyperoxaluria type I. Last evaluated: 2025-09-08. Review status: criteria provided, single submitter. Criteria: Natera Variant Classification Schema (03/2026). Collection method: clinical testing. Allele origin: germline.
Comment: The c.508G>A variant in AGXT is a missense variant predicted to cause substitution of glycine to arginine at amino acid 170. This variant is rare in the general population with a frequency below the threshold expected for the associated phenotype(s). This variant has been observed in at least one unaffected individual, with a zygosity that is consistent with the inheritance pattern for the associated condition (in gnomAD and/or literature). This variant has been observed in one or more individuals affected with the associated recessive disease, as either homozygous or compound heterozygous with a second variant (PMID: 33274618). Given the available evidence, this variant is classified as Pathogenic.

First Genomix Gene Laboratory, Genetic Diagnostics Department
Classification: Pathogenic for Primary hyperoxaluria, type I. Last evaluated: 2025-06-20. Review status: criteria provided, single submitter. Criteria: ACMG Guidelines, 2015. Collection method: clinical testing. Allele origin: germline. Inheritance: Autosomal recessive inheritance. Affected: no. Observed: 1 variant allele.

Laboratory of Genetics, Children's Clinical University Hospital Latvia
Classification: Pathogenic. Last evaluated: 2025-02-16. Review status: criteria provided, single submitter. Criteria: ACMG Guidelines, 2015. Collection method: clinical testing. Allele origin: germline. Affected: yes.

Blueprint Genetics
Classification: Pathogenic for AGXT-related disorders. Last evaluated: 2024-11-24. Review status: criteria provided, single submitter. Criteria: ACMG Guidelines, 2015. Collection method: clinical testing. Allele origin: germline. Affected: yes. Observed: 5 variant alleles.

Revvity Omics, Revvity
Classification: Pathogenic for Primary hyperoxaluria, type I. Last evaluated: 2024-08-20. Review status: criteria provided, single submitter. Criteria: ACMG Guidelines, 2015. Collection method: clinical testing. Allele origin: germline.